The following is an entry in ClinVar:

NM_000245.4(MET):c.4094A>G (p.Tyr1365Cys)

Gene: MET (MET proto-oncogene, receptor tyrosine kinase; plus strand). Cytogenetic location: 7q31.2.
Variant type: single nucleotide variant.
Coding change: c.4094A>G on transcript NM_000245.4 (MANE Select); coding-DNA position 4094, A replaced by G.
Protein change: p.Tyr1365Cys; replaces tyrosine 1365 with cysteine.
Molecular consequence: missense variant.
Genome position (GRCh38, 1-based): chr7:116,796,045, A>G. VCF-style: chr7-116796045-A-G. GRCh37 (hg19) VCF-style: chr7-116436099-A-G.
Other names: c.4148A>G, p.Tyr1383Cys (NM_001127500.3); c.2804A>G, p.Tyr935Cys (NM_001324402.2); short protein forms Y935C, Y1365C, Y1383C.
Identifiers: ClinVar variation 1499340 (VCV001499340.8), dbSNP rs1795662590, ClinGen allele CA369118383.

ClinVar aggregate classification (germline): Uncertain significance (1 of 4 stars; one submission).

Conditions:
Renal cell carcinoma. Identifiers: Orphanet 217071, MedGen C0007134, MeSH D002292, MONDO:0005086, HP:0005584.

Allele frequency attached by ClinVar (database versions not stated): gnomAD 0.00001.
gnomAD v4.1: 1 of 1,613,900 alleles (0.000062%); highest among the groups gnomAD compares: South Asian, 0.0011%; no homozygotes.

Submission:

Labcorp Genetics (formerly Invitae), Labcorp
Classification: Uncertain significance for Renal cell carcinoma. Last evaluated: 2025-04-21. Review status: criteria provided, single submitter. Criteria: Invitae Variant Classification Sherloc (09022015). Collection method: clinical testing. Allele origin: germline.
Comment: This sequence change replaces tyrosine, which is neutral and polar, with cysteine, which is neutral and slightly polar, at codon 1383 of the MET protein (p.Tyr1383Cys). This variant is not present in population databases (gnomAD no frequency). This variant has not been reported in the literature in individuals affected with MET-related conditions. ClinVar contains an entry for this variant (Variation ID: 1499340). An algorithm developed to predict the effect of missense changes on protein structure and function (PolyPhen-2) suggests that this variant is likely to be disruptive. In summary, the available evidence is currently insufficient to determine the role of this variant in disease. Therefore, it has been classified as a Variant of Uncertain Significance.